The following is an entry in ClinVar:

NM_005445.4(SMC3):c.2635C>T (p.Arg879Ter)

Gene: SMC3 (structural maintenance of chromosomes 3; plus strand). Cytogenetic location: 10q25.2.
Variant type: single nucleotide variant.
Coding change: c.2635C>T on transcript NM_005445.4 (MANE Select); coding-DNA position 2635, C replaced by T.
Protein change: p.Arg879Ter; replaces arginine 879 with a stop codon.
Molecular consequence: nonsense.
Genome position (GRCh38, 1-based): chr10:110,601,121, C>T. VCF-style: chr10-110601121-C-T. GRCh37 (hg19) VCF-style: chr10-112360879-C-T.
Other names: short protein forms R879*.
Identifiers: ClinVar variation 1879144 (VCV001879144.32), dbSNP rs2493146591, ClinGen allele CA378393324.

ClinVar aggregate classification (germline): Conflicting classifications of pathogenicity. Review status: criteria provided, conflicting classifications (1 of 4 stars). 3 submissions from 3 submitters: Pathogenic (1); Uncertain significance (2). Last evaluated 2026-07-16.

Allele frequency attached by ClinVar (database versions not stated): gnomAD exomes below 0.00001.
gnomAD v4.1: 2 of 1,611,618 alleles (0.00012%); highest among the groups gnomAD compares: Non-Finnish European, 0.00017%; no homozygotes.

Submissions (3):

GeneDx
Classification: Pathogenic. Last evaluated: 2026-07-16. Review status: criteria provided, single submitter. Criteria: GeneDx Variant Classification Process June 2021. Collection method: clinical testing. Allele origin: germline.
Comment: Nonsense variant predicted to result in protein truncation or nonsense mediated decay in a gene for which loss of function is a known mechanism of disease; Not observed at significant frequency in large population cohorts (gnomAD); This variant is associated with the following publications: (PMID: 38297832, 20513141)

Women's Health and Genetics/Laboratory Corporation of America, LabCorp
Classification: Uncertain significance. Last evaluated: 2023-02-02. Review status: criteria provided, single submitter. Criteria: LabCorp Variant Classification Summary - May 2015. Collection method: clinical testing. Allele origin: germline.
Comment: Variant summary: SMC3 c.2635C>T (p.Arg879X) results in a premature termination codon, predicted to cause a truncation of the encoded protein or absence of the protein due to nonsense mediated decay. Truncations downstream of this position are cited as uncertain significance by our laboratory and in ClinVar, while a few truncations upstream of this position are cited as pathogenic and disease-associated in ClinVar and HGMD. Nevertheless, missense variants and in-frame deletions downstream of this position have been cited as pathogenic and disease-associated in ClinVar and HGMD and have been reported in patients (e.g. p.Gln1147Glu, p.Gly1188Val), indicating this region may be important for protein function. The variant was absent in 251090 control chromosomes (gnomAD). To our knowledge, no occurrence of c.2635C>T in individuals affected with Cornelia De Lange Syndrome 3 and no experimental evidence demonstrating its impact on protein function have been reported. A ClinVar submitter (evaluation after 2014) cites the variant as uncertain significance. Based on the evidence outlined above, the variant was classified as VUS-possibly pathogenic.

CeGaT Center for Human Genetics Tuebingen
Classification: Uncertain significance. Last evaluated: 2022-12-01. Review status: criteria provided, single submitter. Criteria: CeGaT Center For Human Genetics Tuebingen Variant Classification Criteria Version 2. Collection method: clinical testing. Allele origin: germline. Affected: yes. Observed: 1 variant allele.
Comment: SMC3: PM2, PVS1:Moderate